The following is an entry in ClinVar:

ClinVar aggregate classification (germline): Uncertain significance (1 of 4 stars; one submission).

gnomAD v4.1: 5 of 1,613,990 alleles (0.00031%); highest among the groups gnomAD compares: Middle Eastern, 0.033%; no homozygotes.

Submission:

Labcorp Genetics (formerly Invitae), Labcorp
Classification: Uncertain significance. Last evaluated: 2025-05-19. Review status: criteria provided, single submitter. Criteria: Invitae Variant Classification Sherloc (09022015). Collection method: clinical testing. Allele origin: germline.
Comment: This sequence change replaces serine, which is neutral and polar, with alanine, which is neutral and non-polar, at codon 329 of the NFIA protein (p.Ser329Ala). This variant is present in population databases (rs781184518, gnomAD 0.0009%). This variant has not been reported in the literature in individuals affected with NFIA-related conditions. An algorithm developed to predict the effect of missense changes on protein structure and function (PolyPhen-2) suggests that this variant is likely to be tolerated. In summary, the available evidence is currently insufficient to determine the role of this variant in disease. Therefore, it has been classified as a Variant of Uncertain Significance.

NM_001134673.4(NFIA):c.985T>G (p.Ser329Ala)

Gene: NFIA (nuclear factor I A; plus strand). Cytogenetic location: 1p31.3.
Variant type: single nucleotide variant.
Coding change: c.985T>G on transcript NM_001134673.4 (MANE Select); coding-DNA position 985, T replaced by G.
Protein change: p.Ser329Ala; replaces serine 329 with alanine.
Molecular consequence: missense variant.
Genome position (GRCh38, 1-based): chr1:61,383,275, T>G. VCF-style: chr1-61383275-T-G. GRCh37 (hg19) VCF-style: chr1-61848947-T-G.
Other names: c.961T>G, p.Ser321Ala (NM_001145511.2); c.1120T>G, p.Ser374Ala (NM_001145512.2); c.985T>G, p.Ser329Ala (NM_005595.5); short protein forms S321A, S329A, S374A.
Identifiers: ClinVar variation 4706204 (VCV004706204.1).